The following is an entry in ClinVar:

ClinVar aggregate classification (germline): Likely pathogenic (1 of 4 stars; one submission).

Conditions:
Arginase deficiency. Also called: ARGININEMIA; ARG1 DEFICIENCY; Arginase 1 Deficiency. Identifiers: Orphanet 90, MedGen C0268548, MONDO:0008814, OMIM 207800.

Submission:

Labcorp Genetics (formerly Invitae), Labcorp
Classification: Likely pathogenic for Arginase deficiency. Last evaluated: 2022-12-17. Review status: criteria provided, single submitter. Criteria: Invitae Variant Classification Sherloc (09022015). Collection method: clinical testing. Allele origin: germline.
Comment: In summary, the currently available evidence indicates that the variant is pathogenic, but additional data are needed to prove that conclusively. Therefore, this variant has been classified as Likely Pathogenic. This sequence change affects an acceptor splice site in intron 1 of the ARG1 gene. It is expected to disrupt RNA splicing. Variants that disrupt the donor or acceptor splice site typically lead to a loss of protein function (PMID: 16199547), and loss-of-function variants in ARG1 are known to be pathogenic (PMID: 7649538, 12052859). This variant is not present in population databases (gnomAD no frequency). This variant has not been reported in the literature in individuals affected with ARG1-related conditions. Algorithms developed to predict the effect of sequence changes on RNA splicing suggest that this variant may disrupt the consensus splice site.

Literature cited by the submitters: PubMed 16199547; PubMed 7649538; PubMed 12052859.

NM_000045.4(ARG1):c.58-2A>T

Genes: ARG1 (arginase 1; plus strand), MED23 (mediator complex subunit 23; minus strand). Cytogenetic location: 6q23.2.
Variant type: single nucleotide variant.
Coding change: c.58-2A>T on transcript NM_000045.4 (MANE Select); the canonical splice acceptor site of the intron before coding-DNA position 58, A replaced by T.
Molecular consequence: splice acceptor variant. On other transcripts: intron variant (2).
Genome position (GRCh38, 1-based): chr6:131,576,661, A>T. VCF-style: chr6-131576661-A-T. GRCh37 (hg19) VCF-style: chr6-131897801-A-T.
Other names: c.58-2A>T (NM_001244438.2, NM_001369020.1); c.4078-2366T>A (NM_001270521.2); c.4096-2366T>A (NM_015979.4).
Identifiers: ClinVar variation 2821709 (VCV002821709.3), dbSNP rs1554250040, ClinGen allele CA365649612.
Genomic context (GRCh38, chr6:131,576,661, plus strand): 5'-CCTGCTGTGAGCATCTGATGGTCATGATAATGTCTGAAGTACTTTATTTTTTAATTGTTC[A>T]GCCACGAGGAGGGGTGGAAGAAGGCCCTACAGTATTGAGAAAGGCTGGTCTGCTTGAGAA-3'